The following is an entry in ClinVar:

ClinVar aggregate classification (germline): Pathogenic (1 of 4 stars; one submission).

Submission:

Labcorp Genetics (formerly Invitae), Labcorp
Classification: Pathogenic. Last evaluated: 2021-03-09. Review status: criteria provided, single submitter. Criteria: Invitae Variant Classification Sherloc (09022015). Collection method: clinical testing. Allele origin: germline.
Comment: For these reasons, this variant has been classified as Pathogenic. This variant disrupts the C-terminus of the EYS protein. Other variant(s) that disrupt this region (p.Val3096Leufs*28) have been determined to be pathogenic (PMID: 24474277, 29550188, 26261414). This suggests that variants that disrupt this region of the protein are likely to be causative of disease. This variant has not been reported in the literature in individuals with EYS-related conditions. This variant is not present in population databases (ExAC no frequency). This sequence change results in a premature translational stop signal in the EYS gene (p.Ser3033Thrfs*15). While this is not anticipated to result in nonsense mediated decay, it is expected to disrupt the last 112 amino acids of the EYS protein.

Literature cited by the submitters: PubMed 24474277; PubMed 29550188; PubMed 26261414.

NM_001142800.2(EYS):c.9098del (p.Ser3033fs)

Genes: EYS (EGF-like photoreceptor maintenance factor; minus strand), PHF3 (PHD finger protein 3; plus strand). Cytogenetic location: 6q12.
Variant type: Deletion.
Coding change: c.9098del on transcript NM_001142800.2 (MANE Select); coding-DNA position 9098, one base deleted (G; older notation c.9098delG).
Protein change: p.Ser3033fs; shifts the reading frame from serine 3033.
Molecular consequence: frameshift variant. On other transcripts: 3 prime UTR variant (5).
Genome position (GRCh38, 1-based): chr6:63,720,933, C deleted on the plus strand (G on the coding strand, the reverse complement: EYS is on the minus strand). VCF-style (leftmost placement, unchanged base first): chr6-63720932-GC-G. GRCh37 (hg19) VCF-style: chr6-64430828-GC-G.
Other names: c.*7225del (NM_001290259.2, NM_001370348.2, NM_001370349.2 and 2 more transcripts); c.9161del, p.Ser3054fs (NM_001292009.2); short protein forms S3054fs, S3033fs.
Identifiers: ClinVar variation 856214 (VCV000856214.9), dbSNP rs1768357555, ClinGen allele CA916082852.